The following is an entry in ClinVar:

ClinVar aggregate classification (germline): Uncertain significance (1 of 4 stars; one submission).

Conditions:
MASP1-related disorder. Also called: MASP1-related condition.

gnomAD v4.1: 9 of 1,614,114 alleles (0.00056%); highest among the groups gnomAD compares: South Asian, 0.0044%; no homozygotes.

Submission:

PreventionGenetics, part of Exact Sciences
Classification: Uncertain significance for MASP1-related condition. Last evaluated: 2025-12-19. Review status: criteria provided, single submitter. Criteria: ACMG Guidelines, 2015. Collection method: clinical testing. Allele origin: germline.
Comment: The MASP1 c.437G>A variant is predicted to result in the amino acid substitution p.Arg146Lys. To our knowledge, this variant has not been reported in the literature. This variant is reported in 0.0029% of alleles in individuals of Latino descent in gnomAD. At this time, the clinical significance of this variant is uncertain due to the absence of conclusive functional and genetic evidence.

NM_139125.4(MASP1):c.437G>A (p.Arg146Lys)

Gene: MASP1 (MBL associated serine protease 1; minus strand). Cytogenetic location: 3q27.3.
Variant type: single nucleotide variant.
Coding change: c.437G>A on transcript NM_139125.4 (MANE Select); coding-DNA position 437, G replaced by A.
Protein change: p.Arg146Lys; replaces arginine 146 with lysine.
Molecular consequence: missense variant. On other transcripts: non-coding transcript variant (1).
Genome position (GRCh38, 1-based): chr3:187,260,851, C>T on the plus strand (G>A on the coding strand, the complement: MASP1 is on the minus strand). VCF-style: chr3-187260851-C-T. GRCh37 (hg19) VCF-style: chr3-186978639-C-T.
Other names: c.437G>A, p.Arg146Lys (NM_001031849.3, NM_001879.6); short protein forms R146K.
Identifiers: ClinVar variation 4989622 (VCV004989622.1).
Genomic context (GRCh38, chr3:187,260,851, plus strand): 5'-CAGTAGTAGCCGCCAATGTAGTTGTGGCAGTAGTGGTCACAGGACAGCTCCTCGTCCTCC[C>T]TCTCCTTGCACTCGTCCACATCTGTAGGGCAGGTAAAGCCTCTCCATCAATACATGCATG-3'
Protein context (NP_624302.1, residues 136-156): MAVDVDECKE[Arg146Lys]EDEELSCDHY